The following is an entry in ClinVar:

NM_001348716.2(KDM6B):c.1085_1088del (p.Glu362fs)

Gene: KDM6B (lysine demethylase 6B; plus strand). Cytogenetic location: 17p13.1.
Variant type: Microsatellite.
Coding change: c.1085_1088del on transcript NM_001348716.2 (MANE Select); coding-DNA positions 1085 to 1088, 4 bases deleted (AGAG; older notation c.1085_1088delAGAG).
Protein change: p.Glu362fs; shifts the reading frame from glutamic acid 362.
Molecular consequence: frameshift variant.
Genome position (GRCh38, 1-based): chr17:7,847,280-7,847,283, AGAG deleted; deleting any 4 consecutive bases within chr17:7,847,276-7,847,283 gives the same sequence; the c. name uses the placement nearest the transcript's 3' end. VCF-style (leftmost placement, unchanged base first): chr17-7847275-TAGAG-T. GRCh37 (hg19) VCF-style: chr17-7750593-TAGAG-T.
Other names: c.1085_1088del (NM_001080424.1); c.1085_1088delAGAG (NM_001080424.2); c.1085_1088del, p.Glu362fs (NM_001080424.2); short protein forms E362fs.
Identifiers: ClinVar variation 623267 (VCV000623267.41), dbSNP rs769566928, ClinGen allele CA8360507.

ClinVar aggregate classification (germline): Pathogenic/Likely pathogenic. Review status: criteria provided, multiple submitters, no conflicts (2 of 4 stars). 10 submissions from 10 submitters: Pathogenic (6); Likely pathogenic (1). 3 of the submissions do not count toward it. Last evaluated 2025-12-23.

Conditions:
Neurodevelopmental disorder with coarse facies and mild distal skeletal abnormalities. Also called: STOLERMAN NEURODEVELOPMENTAL SYNDROME. Identifiers: MedGen C5193134, MONDO:0032790, OMIM 618505.

Submissions (10):

3billion
Classification: Pathogenic for Neurodevelopmental disorder with coarse facies and mild distal skeletal abnormalities. Last evaluated: 2025-12-23. Review status: criteria provided, single submitter. Criteria: ACMG Guidelines, 2015. Collection method: clinical testing. Allele origin: germline. Affected: yes.
Comment: The variant is observed at an extremely low frequency in the gnomAD v4.1.0 dataset (total allele frequency: 0.001%). Predicted Consequence/Location: Frameshift: predicted to result in a loss or disruption of normal protein function through nonsense-mediated decay (NMD) or protein truncation. Multiple pathogenic variants are reported downstream of the variant. The variant has been previously reported as de novo in a similarly affected individual (PMID: 31124279). The variant has been reported at least twice as pathogenic with clinical assertions and evidence for the classification (ClinVar ID: VCV000623267 /PMID: 31124279). Therefore, this variant is classified as Pathogenic according to the recommendation of ACMG/AMP guideline.

Victorian Clinical Genetics Services, Murdoch Childrens Research Institute
Classification: Pathogenic for Neurodevelopmental disorder with coarse facies and mild distal skeletal abnormalities. Last evaluated: 2025-11-27. Review status: criteria provided, single submitter. Criteria: ACMG Guidelines, 2015. Collection method: clinical testing. Allele origin: germline. Affected: yes.
Comment: This variant is classified as Pathogenic. Evidence in support of pathogenic classification: Variant is predicted to cause nonsense-mediated decay (NMD) and loss of protein (premature termination codon is located at least 54 nucleotides upstream of the final exon-exon junction); Variant is present in gnomAD <0.001 for a dominant condition (v4: 2 heterozygote(s), 0 homozygote(s)); This variant has strong previous evidence of pathogenicity in unrelated individuals. This variant has been classified as pathogenic or likely pathogenic by multiple clinical laboratories in ClinVar. It has also been reported as de novo or inherited in multiple individuals with Stolerman neurodevelopmental syndrome (PMIDs: 31124279, 37196654); Other NMD-predicted variants comparable to the one identified in this case have very strong previous evidence for pathogenicity (DECIPHER); Additional information: This variant is heterozygous; This gene is associated with autosomal dominant disease; Loss of function is a known mechanism of disease in this gene and is associated with Stolerman neurodevelopmental syndrome (MIM#618505).

Center of Human Genetics, Hôpital Erasme
Classification: Likely pathogenic for Neurodevelopmental disorder with coarse facies and mild distal skeletal abnormalities. Last evaluated: 2025-01-01. Review status: criteria provided, single submitter. Criteria: ACMG Guidelines, 2015. Collection method: clinical testing. Allele origin: de novo. Affected: yes.

Women's Health and Genetics/Laboratory Corporation of America, LabCorp
Classification: Pathogenic for Neurodevelopmental disorder with coarse facies and mild distal skeletal abnormalities. Last evaluated: 2024-11-14. Review status: criteria provided, single submitter. Criteria: LabCorp Variant Classification Summary - May 2015. Collection method: clinical testing. Allele origin: germline.
Comment: Variant summary: KDM6B c.1085_1088delAGAG (p.Glu362AlafsX124) results in a premature termination codon, predicted to cause a truncation of the encoded protein or absence of the protein due to nonsense mediated decay, which are commonly known mechanisms for disease. The variant was absent in 240902 control chromosomes (gnomAD). c.1085_1088delAGAG has been reported in the literature in individuals affected with Neurodevelopmental Disorder With Coarse Facies And Mild Distal Skeletal Abnormalities (Stolerman_2019, Rots_2023). These data indicate that the variant may be associated with disease. To our knowledge, no experimental evidence demonstrating an impact on protein function has been reported. The following publications have been ascertained in the context of this evaluation (PMID: 31124279, 37196654). ClinVar contains an entry for this variant (Variation ID: 623267). Based on the evidence outlined above, the variant was classified as pathogenic.

Institute for Clinical Genetics, University Hospital TU Dresden, University Hospital TU Dresden
Classification: Pathogenic. Last evaluated: 2023-06-06. Review status: criteria provided, single submitter. Criteria: ACMG Guidelines, 2015. Collection method: clinical testing. Allele origin: de novo.
Comment: PVS1, PS4, PM2_SUP

GeneDx
Classification: Pathogenic. Last evaluated: 2023-01-24. Review status: criteria provided, single submitter. Criteria: GeneDx Variant Classification Process June 2021. Collection method: clinical testing. Allele origin: germline. Affected: yes.
Comment: Frameshift variant predicted to result in protein truncation or nonsense mediated decay in a gene for which loss-of-function is a known mechanism of disease; This variant is associated with the following publications: (PMID: 31124279)

Institute of Human Genetics, University of Leipzig Medical Center
Classification: Pathogenic for Neurodevelopmental disorder with coarse facies and mild distal skeletal abnormalities. Last evaluated: 2021-10-21. Review status: criteria provided, single submitter. Criteria: ACMG Guidelines, 2015. Collection method: clinical testing. Allele origin: de novo. Affected: yes.
Comment: This variant was identified as de novo (maternity and paternity confirmed)._x000D_ Criteria applied: PVS1, PS2

OMIM
Classification: Pathogenic for STOLERMAN NEURODEVELOPMENTAL SYNDROME. Last evaluated: 2024-02-14. Review status: no assertion criteria provided. Collection method: literature only. Allele origin: germline. Not counted in ClinVar's aggregate classification.

Joint Genome Diagnostic Labs from Nijmegen and Maastricht, Radboudumc and MUMC+
Classification: Likely pathogenic for Neurodevelopmental disorder with coarse facies and mild distal skeletal abnormalities. Last evaluated: 2022-09-09. Review status: no assertion criteria provided. Collection method: research. Allele origin: de novo. Affected: yes. Not counted in ClinVar's aggregate classification.

Greenwood Genetic Center Diagnostic Laboratories, Greenwood Genetic Center
Classification: Uncertain significance. Last evaluated: 2018-12-05. Review status: flagged submission. Criteria: ACMG Guidelines, 2015. Collection method: clinical testing. Allele origin: de novo. Not counted in ClinVar's aggregate classification.
ClinVar note: Reason: Outlier claim with insufficient supporting evidence

Literature cited by the submitters: PubMed 31124279 (cited by 4 submitters); PubMed 37196654 (cited by Victorian Clinical Genetics Services, Murdoch Childrens Research Institute and Women's Health and Genetics/Laboratory Corporation of America, LabCorp).